The following is an entry in ClinVar:

ClinVar aggregate classification (germline): Uncertain significance. Review status: criteria provided, multiple submitters, no conflicts (2 of 4 stars). 2 submissions from 2 submitters: Uncertain significance (2). Last evaluated 2025-11-24.

Conditions:
Inborn genetic diseases. Identifiers: MedGen C0950123, MeSH D030342.
Developmental and epileptic encephalopathy, 37 (DEE37). Also called: Epileptic encephalopathy, early infantile, 37. Identifiers: MedGen C4310770, MONDO:0014859, OMIM 616981.

gnomAD v4.1: 4 of 1,284,396 alleles (0.00031%); highest among the groups gnomAD compares: Middle Eastern, 0.029%; no homozygotes.

Submissions (2):

Ambry Genetics
Classification: Uncertain significance for Inborn genetic diseases. Last evaluated: 2025-11-24. Review status: criteria provided, single submitter. Criteria: Ambry Variant Classification Scheme 2023. Collection method: clinical testing. Allele origin: germline.

Labcorp Genetics (formerly Invitae), Labcorp
Classification: Uncertain significance for Developmental and epileptic encephalopathy, 37. Last evaluated: 2021-09-15. Review status: criteria provided, single submitter. Criteria: Invitae Variant Classification Sherloc (09022015). Collection method: clinical testing. Allele origin: germline.
Comment: In summary, the available evidence is currently insufficient to determine the role of this variant in disease. Therefore, it has been classified as a Variant of Uncertain Significance. Algorithms developed to predict the effect of missense changes on protein structure and function (SIFT, PolyPhen-2, Align-GVGD) all suggest that this variant is likely to be tolerated. This variant has not been reported in the literature in individuals affected with FRRS1L-related conditions. The frequency data for this variant in the population databases is considered unreliable, as metrics indicate insufficient coverage at this position in the ExAC database. This sequence change replaces alanine with proline at codon 103 of the FRRS1L protein (p.Ala103Pro). The alanine residue is weakly conserved and there is a small physicochemical difference between alanine and proline.

NM_014334.4(FRRS1L):c.154G>C (p.Ala52Pro)

Gene: FRRS1L (ferric chelate reductase 1 like; minus strand). Cytogenetic location: 9q31.3.
Variant type: single nucleotide variant.
Coding change: c.154G>C on transcript NM_014334.4 (MANE Select); coding-DNA position 154, G replaced by C.
Protein change: p.Ala52Pro; replaces alanine 52 with proline.
Molecular consequence: missense variant.
Genome position (GRCh38, 1-based): chr9:109,166,985, C>G on the plus strand (G>C on the coding strand, the complement: FRRS1L is on the minus strand). VCF-style: chr9-109166985-C-G. GRCh37 (hg19) VCF-style: chr9-111929265-C-G.
Other names: c.307G>C (NM_014334.2); short protein forms A52P.
Identifiers: ClinVar variation 1504077 (VCV001504077.5), dbSNP rs1342676696, ClinGen allele CA374430397.